The following is an entry in ClinVar:

NM_001127222.2(CACNA1A):c.2028G>A (p.Gly676=)

Gene: CACNA1A (calcium voltage-gated channel subunit alpha1 A; minus strand). Cytogenetic location: 19p13.13.
Variant type: single nucleotide variant.
Coding change: c.2028G>A on transcript NM_001127222.2 (MANE Select); coding-DNA position 2028, G replaced by A.
Protein change: p.Gly676=; no amino-acid change (glycine 676 retained).
Molecular consequence: synonymous variant.
Genome position (GRCh38, 1-based): chr19:13,303,843, C>T on the plus strand (G>A on the coding strand, the complement: CACNA1A is on the minus strand). VCF-style: chr19-13303843-C-T. GRCh37 (hg19) VCF-style: chr19-13414657-C-T.
Other names: c.2031G>A, p.Gly677= (NM_000068.4, NM_001127221.2, NM_001174080.2 and 1 more transcripts).
Identifiers: ClinVar variation 1137962 (VCV001137962.34), dbSNP rs369129616, ClinGen allele CA9240648.
Genomic context (GRCh38, chr19:13,303,843, plus strand): 5'-CAGTACAATGAAATAGATGGAGAACACCATGCCGCCCTGCACGCCCCCCTGAGACTTGAT[C>T]CCGTCGTACATGACCTCGTTCCAGTCTTCGCCCGTCAGGATCTGAAAGGGGAGGAAGAAA-3'
Protein context (NP_001120694.1, residues 666-686): GEDWNEVMYD[Gly676=]IKSQGGVQGG

ClinVar aggregate classification (germline): Likely benign. Review status: criteria provided, multiple submitters, no conflicts (2 of 4 stars). 2 submissions from 2 submitters: Likely benign (2). Last evaluated 2024-11-24.

Conditions:
Developmental and epileptic encephalopathy, 42 (DEE42A). Also called: Epileptic encephalopathy, early infantile, 42; DEVELOPMENTAL AND EPILEPTIC ENCEPHALOPATHY 42A; EPILEPTIC ENCEPHALOPATHY, EARLY INFANTILE, 42A. Identifiers: MedGen C4310716, MONDO:0014917, OMIM 617106.
Episodic ataxia type 2 (EA2). Also called: ATAXIA, EPISODIC, WITH NYSTAGMUS; ATAXIA, FAMILIAL PAROXYSMAL; CEREBELLAR ATAXIA, PAROXYSMAL, ACETAZOLAMIDE-RESPONSIVE; CEREBELLOPATHY, HEREDITARY PAROXYSMAL; EPISODIC ATAXIA, NYSTAGMUS-ASSOCIATED; ACETAZOLAMIDE-RESPONSIVE HEREDITARY PAROXYSMAL CEREBELLAR ATAXIA. Identifiers: Orphanet 97, MedGen C1720416, MONDO:0007163, OMIM 108500.

Allele frequency attached by ClinVar (database versions not stated): gnomAD exomes below 0.00001; ExAC 0.00001; gnomAD 0.00003; TOPMed 0.00003; ESP Exome Variant Server 0.00008.
gnomAD v4.1: 11 of 1,613,680 alleles (0.00068%); highest among the groups gnomAD compares: Admixed American, 0.0017%; no homozygotes.

Submissions (2):

Labcorp Genetics (formerly Invitae), Labcorp
Classification: Likely benign for Developmental and epileptic encephalopathy, 42; Episodic ataxia type 2. Last evaluated: 2024-11-24. Review status: criteria provided, single submitter. Criteria: Invitae Variant Classification Sherloc (09022015). Collection method: clinical testing. Allele origin: germline.

CeGaT Center for Human Genetics Tuebingen
Classification: Likely benign. Last evaluated: 2023-11-01. Review status: criteria provided, single submitter. Criteria: CeGaT Center For Human Genetics Tuebingen Variant Classification Criteria Version 2. Collection method: clinical testing. Allele origin: germline. Affected: yes. Observed: 2 variant alleles.
Comment: CACNA1A: BP4, BP7